The following is an entry in ClinVar:

NM_001164508.2(NEB):c.10217A>G (p.Lys3406Arg)

Gene: NEB (nebulin; minus strand). Cytogenetic location: 2q23.3.
Variant type: single nucleotide variant.
Coding change: c.10217A>G on transcript NM_001164508.2 (MANE Select); coding-DNA position 10217, A replaced by G.
Protein change: p.Lys3406Arg; replaces lysine 3406 with arginine.
Molecular consequence: missense variant.
Genome position (GRCh38, 1-based): chr2:151,627,132, T>C on the plus strand (A>G on the coding strand, the complement: NEB is on the minus strand). VCF-style: chr2-151627132-T-C. GRCh37 (hg19) VCF-style: chr2-152483646-T-C.
Other names: c.10217A>G, p.Lys3406Arg (NM_001164507.2, NM_001271208.2); c.9488A>G, p.Lys3163Arg (NM_004543.5); short protein forms K3163R, K3406R.
Identifiers: ClinVar variation 659363 (VCV000659363.7), dbSNP rs1574259964, ClinGen allele CA348792671.
Genomic context (GRCh38, chr2:151,627,132, plus strand): 5'-AGCTTGTCCGGAGGCTGGCGGTAGATGTTATCACTCAGTATTTCAGCAGCTCTCTTGCAC[T>C]TGACCACATCCATAGACCCAATGGGGACCCAGCCAATGCCTCTCAGCCACTGGAGATCAG-3'
Protein context (NP_001157980.2, residues 3396-3416): WVPIGSMDVV[Lys3406Arg]CKRAAEILSD

ClinVar aggregate classification (germline): Uncertain significance (1 of 4 stars; one submission).

Conditions:
Nemaline myopathy 2 (NEM2). Also called: Nemaline myopathy 2, autosomal recessive. Identifiers: MedGen C1850569, MONDO:0009725, OMIM 256030.

Submission:

Labcorp Genetics (formerly Invitae), Labcorp
Classification: Uncertain significance for Nemaline myopathy 2. Last evaluated: 2025-01-06. Review status: criteria provided, single submitter. Criteria: Invitae Variant Classification Sherloc (09022015). Collection method: clinical testing. Allele origin: germline.
Comment: This sequence change replaces lysine, which is basic and polar, with arginine, which is basic and polar, at codon 3406 of the NEB protein (p.Lys3406Arg). This variant is not present in population databases (gnomAD no frequency). This variant has not been reported in the literature in individuals affected with NEB-related conditions. ClinVar contains an entry for this variant (Variation ID: 659363). An algorithm developed to predict the effect of missense changes on protein structure and function outputs the following: PolyPhen-2: "Not Available". The arginine amino acid residue is found in multiple mammalian species, which suggests that this missense change does not adversely affect protein function. In summary, the available evidence is currently insufficient to determine the role of this variant in disease. Therefore, it has been classified as a Variant of Uncertain Significance.